The following is an entry in ClinVar:

ClinVar aggregate classification (germline): Uncertain significance (1 of 4 stars; one submission).

Allele frequency attached by ClinVar (database versions not stated): gnomAD exomes below 0.00001; TOPMed below 0.00001.
gnomAD v4.1: 3 of 1,139,977 alleles (0.00026%); highest among the groups gnomAD compares: Non-Finnish European, 0.00012%; no homozygotes.

Submission:

GeneDx
Classification: Uncertain significance. Last evaluated: 2022-12-16. Review status: criteria provided, single submitter. Criteria: GeneDx Variant Classification Process June 2021. Collection method: clinical testing. Allele origin: germline. Affected: yes.
Comment: In silico analysis supports that this variant does not alter splicing; Has not been previously published as pathogenic or benign to our knowledge

NM_139058.3(ARX):c.627C>T (p.Gly209=)

Gene: ARX (aristaless related homeobox; minus strand). Cytogenetic location: Xp21.3.
Variant type: single nucleotide variant.
Coding change: c.627C>T on transcript NM_139058.3 (MANE Select); coding-DNA position 627, C replaced by T.
Protein change: p.Gly209=; no amino-acid change (glycine 209 retained).
Molecular consequence: synonymous variant.
Genome position (GRCh38, 1-based): chrX:25,013,368, G>A on the plus strand (C>T on the coding strand, the complement: ARX is on the minus strand). VCF-style: chrX-25013368-G-A. GRCh37 (hg19) VCF-style: chrX-25031485-G-A.
Identifiers: ClinVar variation 2505602 (VCV002505602.1), dbSNP rs1343612979, ClinGen allele CA515947996.